The following is an entry in ClinVar:

ClinVar aggregate classification (germline): Uncertain significance (1 of 4 stars; one submission).

Conditions:
Costello syndrome (CSTLO). Also called: FACIOCUTANEOSKELETAL SYNDROME; HRAS-Related Costello Syndrome; FCS SYNDROME. Identifiers: Orphanet 3071, MedGen C0587248, MONDO:0009026, OMIM 218040.

Submission:

Labcorp Genetics (formerly Invitae), Labcorp
Classification: Uncertain significance for Costello syndrome. Last evaluated: 2020-07-29. Review status: criteria provided, single submitter. Criteria: Invitae Variant Classification Sherloc (09022015). Collection method: clinical testing. Allele origin: germline.
Comment: In summary, the available evidence is currently insufficient to determine the role of this variant in disease. Therefore, it has been classified as a Variant of Uncertain Significance. Advanced modeling of protein sequence and biophysical properties (such as structural, functional, and spatial information, amino acid conservation, physicochemical variation, residue mobility, and thermodynamic stability) performed at Invitae indicates that this missense variant is expected to disrupt HRAS protein function. This variant has not been reported in the literature in individuals with HRAS-related conditions. This variant is not present in population databases (ExAC no frequency). This sequence change replaces phenylalanine with serine at codon 82 of the HRAS protein (p.Phe82Ser). The phenylalanine residue is highly conserved and there is a large physicochemical difference between phenylalanine and serine.

NM_005343.4(HRAS):c.245T>C (p.Phe82Ser)

Genes: HRAS (HRas proto-oncogene, GTPase; minus strand), LRRC56 (leucine rich repeat containing 56; plus strand). Cytogenetic location: 11p15.5.
Variant type: single nucleotide variant.
Coding change: c.245T>C on transcript NM_005343.4 (MANE Select); coding-DNA position 245, T replaced by C.
Protein change: p.Phe82Ser; replaces phenylalanine 82 with serine.
Molecular consequence: missense variant. On other transcripts: 5 prime UTR variant (1).
Genome position (GRCh38, 1-based): chr11:533,811, A>G on the plus strand (T>C on the coding strand, the complement: HRAS is on the minus strand). VCF-style: chr11-533811-A-G. GRCh37 (hg19) VCF-style: chr11-533811-A-G.
Other names: c.245T>C, p.Phe82Ser (NM_001130442.3, NM_176795.5); c.-75T>C (NM_001318054.2); short protein forms F82S.
Identifiers: ClinVar variation 1008810 (VCV001008810.9), dbSNP rs1851274209, ClinGen allele CA378924503.